The following is an entry in ClinVar:

NM_031443.4(CCM2):c.609G>A (p.Lys203=)

Gene: CCM2 (CCM2 scaffold protein; plus strand). Cytogenetic location: 7p13.
Variant type: single nucleotide variant.
Coding change: c.609G>A on transcript NM_031443.4 (MANE Select); coding-DNA position 609, G replaced by A.
Protein change: p.Lys203=; no amino-acid change (lysine 203 retained).
Molecular consequence: synonymous variant. On other transcripts: non-coding transcript variant (1), intron variant (1).
Genome position (GRCh38, 1-based): chr7:45,068,579, G>A. VCF-style: chr7-45068579-G-A. GRCh37 (hg19) VCF-style: chr7-45108178-G-A.
Other names: c.672G>A, p.Lys224= (NM_001029835.2); c.435G>A, p.Lys145= (NM_001167934.2, NM_001363459.2); c.609G>A, p.Lys203= (NM_001363458.2); c.472+3933G>A (NM_001167935.2).
Identifiers: ClinVar variation 590662 (VCV000590662.5), dbSNP rs1562912528, ClinGen allele CA454888715.
Genomic context (GRCh38, chr7:45,068,579, plus strand): 5'-GGAGAGTGCAGTTGGGCCCGTGGAGGCATGCTGCCTGGTCATCCTGGCTGCAGAGAGCAA[G>A]GTGAGACTTTCTCGCCCCACTTACTCAGAACTGGCTCCTCCCAGACCCTGCTCATGGCCA-3'
Protein context (NP_113631.1, residues 193-213): CCLVILAAES[Lys203=]VAAEELCCLL

ClinVar aggregate classification (germline): Pathogenic/Likely pathogenic. Review status: criteria provided, multiple submitters, no conflicts (2 of 4 stars). 4 submissions from 4 submitters: Pathogenic (1); Likely pathogenic (3). Last evaluated 2023-11-22.

Conditions:
Cerebral cavernous malformation 2. Also called: Familial Cerebral Cavernous Malformation 2. Identifiers: Orphanet 221061, MedGen C1864041, MONDO:0011304, OMIM 603284.

Submissions (4):

Women's Health and Genetics/Laboratory Corporation of America, LabCorp
Classification: Pathogenic for Cerebral cavernous malformation 2. Last evaluated: 2023-11-22. Review status: criteria provided, single submitter. Criteria: LabCorp Variant Classification Summary - May 2015. Collection method: clinical testing. Allele origin: germline.
Comment: Variant summary: CCM2 c.609G>A alters a conserved nucleotide at the end of exon 5. Four out of four computational tools predict weakening of 5' splice donor site. One experimental study showed that this variant leads to deletion of exon 5 (Denier_2004). The variant allele was absent in 250790 control chromosomes (gnomAD). c.609G>A has been reported in the literature in individuals affected with Cerebral Cavernous Malformations and it co-segregated with the disease within a large family (Denier_2004). The following publications have been ascertained in the context of this evaluation (PMID: 14740320). No ClinVar submitters have assessed the variant since 2014. Based on the evidence outlined above, the variant was classified as pathogenic.

GeneDx
Classification: Likely pathogenic. Last evaluated: 2023-08-02. Review status: criteria provided, single submitter. Criteria: GeneDx Variant Classification Process June 2021. Collection method: clinical testing. Allele origin: germline. Affected: yes.
Comment: Published functional studies demonstrate a damaging effect with the "skipping" of exon 5 (Denier et al., 2004; Emi Nomura et al., 2022); Not observed at significant frequency in large population cohorts (gnomAD); In silico analysis supports a deleterious effect on splicing; This variant is associated with the following publications: (PMID: 14740320, Nomura_2022_article)

PreventionGenetics, part of Exact Sciences
Classification: Likely pathogenic. Last evaluated: 2013-10-07. Review status: criteria provided, single submitter. Criteria: ACMG Guidelines, 2015. Collection method: clinical testing. Allele origin: germline.

Solve-RD Consortium
Classification: Likely pathogenic for Cerebral cavernous malformation 2. Review status: criteria provided, single submitter. Criteria: ACMG Guidelines, 2015. Collection method: provider interpretation. Allele origin: germline. Inheritance: Autosomal dominant inheritance. Affected: yes. Study: Solve-RD DIFT-EpiCARE reanalysis.
Comment: PS4, PM2, PP3

Variant identified during reanalysis of unsolved cases by the Solve-RD project. The Solve-RD project has received funding from the European Union’s Horizon 2020 research and innovation programme under grant agreement No 779257.

Literature cited by the submitters: PubMed 14740320 (cited by Women's Health and Genetics/Laboratory Corporation of America, LabCorp).